The following is an entry in ClinVar:

ClinVar aggregate classification (germline): Uncertain significance (1 of 4 stars; one submission).

Conditions:
Nemaline myopathy 2 (NEM2). Also called: Nemaline myopathy 2, autosomal recessive. Identifiers: MedGen C1850569, MONDO:0009725, OMIM 256030.

Allele frequency attached by ClinVar (database versions not stated): gnomAD exomes below 0.00001; ExAC 0.00001.
gnomAD v4.1: 2 of 1,603,068 alleles (0.00012%); highest among the groups gnomAD compares: Non-Finnish European, 0.00017%; no homozygotes.

Submission:

Labcorp Genetics (formerly Invitae), Labcorp
Classification: Uncertain significance for Nemaline myopathy 2. Last evaluated: 2022-06-20. Review status: criteria provided, single submitter. Criteria: Invitae Variant Classification Sherloc (09022015). Collection method: clinical testing. Allele origin: germline.
Comment: This sequence change replaces tyrosine, which is neutral and polar, with serine, which is neutral and polar, at codon 4007 of the NEB protein (p.Tyr4007Ser). This variant is present in population databases (rs758528247, gnomAD 0.0009%). This variant has not been reported in the literature in individuals affected with NEB-related conditions. Algorithms developed to predict the effect of missense changes on protein structure and function are either unavailable or do not agree on the potential impact of this missense change (SIFT: "Deleterious"; PolyPhen-2: "Not Available"; Align-GVGD: "Class C0"). In summary, the available evidence is currently insufficient to determine the role of this variant in disease. Therefore, it has been classified as a Variant of Uncertain Significance.

NM_001164508.2(NEB):c.12020A>C (p.Tyr4007Ser)

Gene: NEB (nebulin; minus strand). Cytogenetic location: 2q23.3.
Variant type: single nucleotide variant.
Coding change: c.12020A>C on transcript NM_001164508.2 (MANE Select); coding-DNA position 12020, A replaced by C.
Protein change: p.Tyr4007Ser; replaces tyrosine 4007 with serine.
Molecular consequence: missense variant.
Genome position (GRCh38, 1-based): chr2:151,610,119, T>G on the plus strand (A>C on the coding strand, the complement: NEB is on the minus strand). VCF-style: chr2-151610119-T-G. GRCh37 (hg19) VCF-style: chr2-152466633-T-G.
Other names: c.12020A>C, p.Tyr4007Ser (NM_001164507.2, NM_001271208.2); c.11291A>C, p.Tyr3764Ser (NM_004543.5); short protein forms Y3764S, Y4007S.
Identifiers: ClinVar variation 1445048 (VCV001445048.8), dbSNP rs758528247, ClinGen allele CA1908594.